The following is an entry in ClinVar:

NM_001376256.1(CRYM):c.524A>T (p.Glu175Val)

Gene: CRYM (crystallin mu; minus strand). Cytogenetic location: 16p12.2.
Variant type: single nucleotide variant.
Coding change: c.524A>T on transcript NM_001376256.1 (MANE Select); coding-DNA position 524, A replaced by T.
Protein change: p.Glu175Val; replaces glutamic acid 175 with valine.
Molecular consequence: missense variant.
Genome position (GRCh38, 1-based): chr16:21,267,703, T>A on the plus strand (A>T on the coding strand, the complement: CRYM is on the minus strand). VCF-style: chr16-21267703-T-A. GRCh37 (hg19) VCF-style: chr16-21279024-T-A.
Other names: c.524A>T, p.Glu175Val (NM_001888.5); c.524A>T (NM_001888.3); short protein forms E175V.
Identifiers: ClinVar variation 785526 (VCV000785526.11), dbSNP rs141936944, ClinGen allele CA7950681.

ClinVar aggregate classification (germline): Conflicting classifications of pathogenicity. Review status: criteria provided, conflicting classifications (1 of 4 stars). 6 submissions from 6 submitters: Uncertain significance (1); Likely benign (4). 1 of the submissions does not count toward it. Last evaluated 2025-08-02.

Conditions:
Autosomal dominant nonsyndromic hearing loss 40. Also called: Deafness, autosomal dominant 40. Identifiers: Orphanet 90635, MedGen C4084708, MONDO:0014603, OMIM 616357.
CRYM-related disorder. Also called: CRYM-related condition.

Allele frequency attached by ClinVar (database versions not stated): gnomAD exomes 0.00019 and 0.00045; ExAC 0.00058; gnomAD 0.00145 and 0.00150; ESP Exome Variant Server 0.00146; TOPMed 0.00168; 1000 Genomes Project 30x 0.00265; 1000 Genomes Project 0.00300.
gnomAD v4.1: 531 of 1,614,248 alleles (0.033%); highest among the groups gnomAD compares: African/African-American, 0.54%; 1 homozygote.

Submissions (6):

Ambry Genetics
Classification: Uncertain significance. Last evaluated: 2025-08-02. Review status: criteria provided, single submitter. Criteria: Ambry Variant Classification Scheme 2023. Collection method: clinical testing. Allele origin: germline.

Blueprint Genetics
Classification: Likely benign. Last evaluated: 2024-11-06. Review status: criteria provided, single submitter. Criteria: ACMG Guidelines, 2015. Collection method: clinical testing. Allele origin: germline.

Fulgent Genetics
Classification: Likely benign for Autosomal dominant nonsyndromic hearing loss 40. Last evaluated: 2021-10-20. Review status: criteria provided, single submitter. Criteria: ACMG Guidelines, 2015. Collection method: clinical testing. Allele origin: unknown.

GeneDx
Classification: Likely benign. Last evaluated: 2020-08-20. Review status: criteria provided, single submitter. Criteria: GeneDx Variant Classification Process June 2021. Collection method: clinical testing. Allele origin: germline. Affected: yes.

Labcorp Genetics (formerly Invitae), Labcorp
Classification: Likely benign. Last evaluated: 2019-12-31. Review status: criteria provided, single submitter. Criteria: Invitae Variant Classification Sherloc (09022015). Collection method: clinical testing. Allele origin: germline.

PreventionGenetics, part of Exact Sciences
Classification: Benign for CRYM-related condition. Last evaluated: 2019-09-17. Review status: no assertion criteria provided. Collection method: clinical testing. Allele origin: germline. Not counted in ClinVar's aggregate classification.
Comment: This variant is classified as benign based on ACMG/AMP sequence variant interpretation guidelines (Richards et al. 2015 PMID: 25741868, with internal and published modifications).